The following is an entry in ClinVar:

NM_017986.4(SLC52A1):c.1229C>A (p.Ala410Glu)

Gene: SLC52A1 (solute carrier family 52 member 1; minus strand). Cytogenetic location: 17p13.2.
Variant type: single nucleotide variant.
Coding change: c.1229C>A on transcript NM_017986.4 (MANE Select); coding-DNA position 1229, C replaced by A.
Protein change: p.Ala410Glu; replaces alanine 410 with glutamic acid.
Molecular consequence: missense variant.
Genome position (GRCh38, 1-based): chr17:5,033,075, G>T on the plus strand (C>A on the coding strand, the complement: SLC52A1 is on the minus strand). VCF-style: chr17-5033075-G-T. GRCh37 (hg19) VCF-style: chr17-4936370-G-T.
Other names: c.1229C>A, p.Ala410Glu (NM_001104577.2); short protein forms A410E.
Identifiers: ClinVar variation 841357 (VCV000841357.8), dbSNP rs112874988, ClinGen allele CA8319588.

ClinVar aggregate classification (germline): Uncertain significance (1 of 4 stars; one submission).

Conditions:
Vitamin B2 deficiency. Identifiers: MedGen C0035528.

Allele frequency attached by ClinVar (database versions not stated): gnomAD exomes 0.00004 and 0.00011; ExAC 0.00013; 1000 Genomes Project 30x 0.00047; gnomAD 0.00048 and 0.00049; TOPMed 0.00052; ESP Exome Variant Server 0.00054; 1000 Genomes Project 0.00060.
gnomAD v4.1: 140 of 1,613,622 alleles (0.0087%); highest among the groups gnomAD compares: African/African-American, 0.16%; 1 homozygote.

Submission:

Labcorp Genetics (formerly Invitae), Labcorp
Classification: Uncertain significance for Vitamin B2 deficiency. Last evaluated: 2025-08-17. Review status: criteria provided, single submitter. Criteria: Invitae Variant Classification Sherloc (09022015). Collection method: clinical testing. Allele origin: germline.
Comment: This sequence change replaces alanine, which is neutral and non-polar, with glutamic acid, which is acidic and polar, at codon 410 of the SLC52A1 protein (p.Ala410Glu). This variant is present in population databases (rs112874988, gnomAD 0.1%), and has an allele count higher than expected for a pathogenic variant. This variant has not been reported in the literature in individuals affected with SLC52A1-related conditions. ClinVar contains an entry for this variant (Variation ID: 841357). Invitae Evidence Modeling of protein sequence and biophysical properties (such as structural, functional, and spatial information, amino acid conservation, physicochemical variation, residue mobility, and thermodynamic stability) indicates that this missense variant is not expected to disrupt SLC52A1 protein function with a negative predictive value of 80%. In summary, the available evidence is currently insufficient to determine the role of this variant in disease. Therefore, it has been classified as a Variant of Uncertain Significance.